The following is an entry in ClinVar:

ClinVar aggregate classification (germline): Uncertain significance (1 of 4 stars; one submission).

Submission:

GeneDx
Classification: Uncertain significance. Last evaluated: 2023-12-13. Review status: criteria provided, single submitter. Criteria: GeneDx Variant Classification Process June 2021. Collection method: clinical testing. Allele origin: germline. Affected: yes.
Comment: Not observed at significant frequency in large population cohorts (gnomAD); In silico analysis supports that this missense variant has a deleterious effect on protein structure/function; Has not been previously published as pathogenic or benign to our knowledge

NM_014159.7(SETD2):c.5582C>T (p.Ser1861Phe)

Gene: SETD2 (SET domain containing 2, histone lysine methyltransferase; minus strand). Cytogenetic location: 3p21.31.
Variant type: single nucleotide variant.
Coding change: c.5582C>T on transcript NM_014159.7 (MANE Select); coding-DNA position 5582, C replaced by T.
Protein change: p.Ser1861Phe; replaces serine 1861 with phenylalanine.
Molecular consequence: missense variant. On other transcripts: non-coding transcript variant (1).
Genome position (GRCh38, 1-based): chr3:47,084,198, G>A on the plus strand (C>T on the coding strand, the complement: SETD2 is on the minus strand). VCF-style: chr3-47084198-G-A. GRCh37 (hg19) VCF-style: chr3-47125688-G-A.
Other names: c.5450C>T, p.Ser1817Phe (NM_001349370.3); short protein forms S1817F, S1861F.
Identifiers: ClinVar variation 3365422 (VCV003365422.1).